The following is an entry in ClinVar:

ClinVar aggregate classification (germline): Uncertain significance (1 of 4 stars; one submission).

Conditions:
Hereditary cancer-predisposing syndrome. Also called: Neoplastic Syndromes, Hereditary; Tumor predisposition; Hereditary neoplastic syndrome; Hereditary Cancer Syndrome. Identifiers: Orphanet 140162, MedGen C0027672, MeSH D009386, MONDO:0015356.

Submission:

Ambry Genetics
Classification: Uncertain significance for Hereditary cancer-predisposing syndrome. Last evaluated: 2026-07-06. Review status: criteria provided, single submitter. Criteria: Ambry Variant Classification Scheme 2023. Collection method: clinical testing. Allele origin: germline.
Comment: The p.P332A variant (also known as c.994C>G), located in coding exon 11 of the BAP1 gene, results from a C to G substitution at nucleotide position 994. The proline at codon 332 is replaced by alanine, an amino acid with highly similar properties. This amino acid position is conserved. In addition, this alteration is predicted to be tolerated by in silico analysis. Based on the available evidence, the clinical significance of this variant remains unclear.

NM_004656.4(BAP1):c.994C>G (p.Pro332Ala)

Gene: BAP1 (BRCA1 associated deubiquitinase 1; minus strand). Cytogenetic location: 3p21.1.
Variant type: single nucleotide variant.
Coding change: c.994C>G on transcript NM_004656.4 (MANE Select); coding-DNA position 994, C replaced by G.
Protein change: p.Pro332Ala; replaces proline 332 with alanine.
Molecular consequence: missense variant.
Genome position (GRCh38, 1-based): chr3:52,405,232, G>C on the plus strand (C>G on the coding strand, the complement: BAP1 is on the minus strand). VCF-style: chr3-52405232-G-C. GRCh37 (hg19) VCF-style: chr3-52439248-G-C.
Other names: c.940C>G, p.Pro314Ala (NM_001410772.1); short protein forms P314A, P332A.
Identifiers: ClinVar variation 5032722 (VCV005032722.1).